The following is an entry in ClinVar:

NM_005144.5(HR):c.3283C>T (p.Arg1095Trp)

Gene: HR (HR lysine demethylase and nuclear receptor corepressor; minus strand). Cytogenetic location: 8p21.3.
Variant type: single nucleotide variant.
Coding change: c.3283C>T on transcript NM_005144.5 (MANE Select); coding-DNA position 3283, C replaced by T.
Protein change: p.Arg1095Trp; replaces arginine 1095 with tryptophan.
Molecular consequence: missense variant. On other transcripts: intron variant (1).
Genome position (GRCh38, 1-based): chr8:22,116,970, G>A on the plus strand (C>T on the coding strand, the complement: HR is on the minus strand). VCF-style: chr8-22116970-G-A. GRCh37 (hg19) VCF-style: chr8-21974483-G-A.
Other names: c.3214-542C>T (NM_018411.4); c.3283C>T (NM_005144.4); short protein forms R1095W.
Identifiers: ClinVar variation 2968245 (VCV002968245.4), dbSNP rs1018082945, ClinGen allele CA173489847.

ClinVar aggregate classification (germline): Uncertain significance. Review status: criteria provided, multiple submitters, no conflicts (2 of 4 stars). 2 submissions from 2 submitters: Uncertain significance (2). Last evaluated 2025-04-15.

Conditions:
Inborn genetic diseases. Identifiers: MedGen C0950123, MeSH D030342.

Allele frequency attached by ClinVar (database versions not stated): gnomAD 0.00001; gnomAD exomes 0.00001; TOPMed 0.00001.

Submissions (2):

Ambry Genetics
Classification: Uncertain significance for Inborn genetic diseases. Last evaluated: 2025-04-15. Review status: criteria provided, single submitter. Criteria: Ambry Variant Classification Scheme 2023. Collection method: clinical testing. Allele origin: germline.

Labcorp Genetics (formerly Invitae), Labcorp
Classification: Uncertain significance. Last evaluated: 2023-08-27. Review status: criteria provided, single submitter. Criteria: Invitae Variant Classification Sherloc (09022015). Collection method: clinical testing. Allele origin: germline.
Comment: This variant is not present in population databases (gnomAD no frequency). In summary, the available evidence is currently insufficient to determine the role of this variant in disease. Therefore, it has been classified as a Variant of Uncertain Significance. Algorithms developed to predict the effect of sequence changes on RNA splicing suggest that this variant may disrupt the consensus splice site. An algorithm developed to predict the effect of missense changes on protein structure and function (PolyPhen-2) suggests that this variant is likely to be disruptive. This variant has not been reported in the literature in individuals affected with HR-related conditions. This sequence change replaces arginine, which is basic and polar, with tryptophan, which is neutral and slightly polar, at codon 1095 of the HR protein (p.Arg1095Trp).